The following is an entry in ClinVar:

NM_000059.4(BRCA2):c.7727G>C (p.Gly2576Ala)

Gene: BRCA2 (BRCA2 DNA repair associated; plus strand). Cytogenetic location: 13q13.1.
Variant type: single nucleotide variant.
Coding change: c.7727G>C on transcript NM_000059.4 (MANE Select); coding-DNA position 7727, G replaced by C.
Protein change: p.Gly2576Ala; replaces glycine 2576 with alanine.
Molecular consequence: missense variant. On other transcripts: non-coding transcript variant (1).
Genome position (GRCh38, 1-based): chr13:32,357,851, G>C. VCF-style: chr13-32357851-G-C. GRCh37 (hg19) VCF-style: chr13-32931988-G-C.
Other names: c.7631G>C, p.Gly2544Ala (NM_001406719.1); c.7727G>C, p.Gly2576Ala (NM_001406720.1); c.2795G>C, p.Gly932Ala (NM_001406721.1); c.1310G>C, p.Gly437Ala (NM_001406722.1); short protein forms G932A, G2576A, G2544A, G437A.
Identifiers: ClinVar variation 2774948 (VCV002774948.2), dbSNP rs2548542636, ClinGen allele CA387745504.
Genomic context (GRCh38, chr13:32,357,851, plus strand): 5'-ATGCAGAGTCTTTTCAGTTTCACACTGAAGATTATTTTGGTAAGGAAAGTTTATGGACTG[G>C]AAAAGGAATACAGTTGGCTGATGGTGGATGGCTCATACCCTCCAATGATGGAAAGGCTGG-3'
Protein context (NP_000050.3, residues 2566-2586): DYFGKESLWT[Gly2576Ala]KGIQLADGGW

ClinVar aggregate classification (germline): Uncertain significance (1 of 4 stars; one submission).

Conditions:
Hereditary cancer-predisposing syndrome. Also called: Neoplastic Syndromes, Hereditary; Tumor predisposition; Hereditary Cancer Syndrome; Hereditary neoplastic syndrome. Identifiers: Orphanet 140162, MedGen C0027672, MeSH D009386, MONDO:0015356.

Submission:

Color Diagnostics, LLC DBA Color Health
Classification: Uncertain significance for Hereditary cancer-predisposing syndrome. Last evaluated: 2022-01-24. Review status: criteria provided, single submitter. Criteria: ACMG Guidelines, 2015. Collection method: clinical testing. Allele origin: germline.
Comment: This missense variant replaces glycine with alanine at codon 2576 of the BRCA2 protein. Computational prediction is inconclusive regarding the impact of this variant on protein structure and function (internally defined REVEL score threshold 0.5 < inconclusive < 0.7, PMID: 27666373). To our knowledge, functional studies have not been reported for this variant. This variant has not been reported in individuals affected with hereditary cancer in the literature. This variant has not been identified in the general population by the Genome Aggregation Database (gnomAD). The available evidence is insufficient to determine the role of this variant in disease conclusively. Therefore, this variant is classified as a Variant of Uncertain Significance.